The following is an entry in ClinVar:

ClinVar aggregate classification (germline): Pathogenic. Review status: criteria provided, multiple submitters, no conflicts (2 of 4 stars). 3 submissions from 3 submitters: Pathogenic (3). Last evaluated 2025-04-23.

Conditions:
Intellectual disability-facial dysmorphism syndrome due to SETD5 haploinsufficiency (MRD23). Also called: Intellectual developmental disorder, autosomal dominant 23. Identifiers: Orphanet 404440, MedGen C3810406, MONDO:0014336, OMIM 615761.
Inborn genetic diseases. Identifiers: MedGen C0950123, MeSH D030342.

Submissions (3):

Ambry Genetics
Classification: Pathogenic for Inborn genetic diseases. Last evaluated: 2025-04-23. Review status: criteria provided, single submitter. Criteria: Ambry Variant Classification Scheme 2023. Collection method: clinical testing. Allele origin: germline.
Comment: The c.1390C>T (p.Q464*) alteration, located in exon 12 (coding exon 10) of the SETD5 gene, consists of a C to T substitution at nucleotide position 1390. This changes the amino acid from a glutamine (Q) to a stop codon at amino acid position 464. This alteration is expected to result in loss of function by premature protein truncation or nonsense-mediated mRNA decay. This variant was not reported in population-based cohorts in the Genome Aggregation Database (gnomAD). Based on the available evidence, this alteration is classified as pathogenic.

GeneDx
Classification: Pathogenic. Last evaluated: 2023-03-22. Review status: criteria provided, single submitter. Criteria: GeneDx Variant Classification Process June 2021. Collection method: clinical testing. Allele origin: germline. Affected: yes.
Comment: Nonsense variant predicted to result in protein truncation or nonsense mediated decay in a gene for which loss of function is a known mechanism of disease; Not observed at significant frequency in large population cohorts (gnomAD); Has not been previously published as pathogenic or benign to our knowledge; This variant is associated with the following publications: (PMID: 34906459)

Baylor Genetics
Classification: Pathogenic for Intellectual disability-facial dysmorphism syndrome due to SETD5 haploinsufficiency. Last evaluated: 2018-06-12. Review status: criteria provided, single submitter. Criteria: ACMG Guidelines, 2015. Collection method: clinical testing. Allele origin: de novo. Affected: yes.
Comment: This variant was determined to be pathogenic according to ACMG Guidelines, 2015 [PMID:25741868].

NM_001080517.3(SETD5):c.1390C>T (p.Gln464Ter)

Gene: SETD5 (SET domain containing 5; plus strand). Cytogenetic location: 3p25.3.
Variant type: single nucleotide variant.
Coding change: c.1390C>T on transcript NM_001080517.3 (MANE Select); coding-DNA position 1390, C replaced by T.
Protein change: p.Gln464Ter; replaces glutamine 464 with a stop codon.
Molecular consequence: nonsense.
Genome position (GRCh38, 1-based): chr3:9,445,250, C>T. VCF-style: chr3-9445250-C-T. GRCh37 (hg19) VCF-style: chr3-9486934-C-T.
Other names: c.1096C>T, p.Gln366Ter (NM_001292043.2, NM_001349451.2); short protein forms Q366*, Q464*.
Identifiers: ClinVar variation 1032602 (VCV001032602.3), dbSNP rs2041797086, ClinGen allele CA351693583.
Genomic context (GRCh38, chr3:9,445,250, plus strand): 5'-GCACGACGGAAAGAGCTAGAGATGGAGCAGCAGAATGAGGCTTCAGAGGAGAATAATGAC[C>T]AGCAATCACAAGAAGTTCCAGAAAAAGTAACTGTATCCAGTGATCATGAGGTAATCGCCC-3'